The following is an entry in ClinVar:

NM_000465.4(BARD1):c.746T>G (p.Ile249Ser)

Gene: BARD1 (BRCA1 associated RING domain 1; minus strand). Cytogenetic location: 2q35.
Variant type: single nucleotide variant.
Coding change: c.746T>G on transcript NM_000465.4 (MANE Select); coding-DNA position 746, T replaced by G.
Protein change: p.Ile249Ser; replaces isoleucine 249 with serine.
Molecular consequence: missense variant. On other transcripts: non-coding transcript variant (2), intron variant (3).
Genome position (GRCh38, 1-based): chr2:214,781,128, A>C on the plus strand (T>G on the coding strand, the complement: BARD1 is on the minus strand). VCF-style: chr2-214781128-A-C. GRCh37 (hg19) VCF-style: chr2-215645852-A-C.
Other names: c.689T>G, p.Ile230Ser (NM_001282543.2); c.158+28284T>G (NM_001282548.2); c.215+15933T>G (NM_001282545.2); c.364+11169T>G (NM_001282549.2); short protein forms I230S, I249S.
Identifiers: ClinVar variation 3645736 (VCV003645736.2).

ClinVar aggregate classification (germline): Uncertain significance (1 of 4 stars; one submission).

Conditions:
Familial cancer of breast. Also called: hereditary breast carcinoma; BREAST CANCER, FAMILIAL; Hereditary breast cancer. Identifiers: Orphanet 227535, MedGen C0346153, MONDO:0016419, OMIM 114480. Disease mechanism: loss of function.

Submission:

Labcorp Genetics (formerly Invitae), Labcorp
Classification: Uncertain significance for Familial cancer of breast. Last evaluated: 2024-03-13. Review status: criteria provided, single submitter. Criteria: Invitae Variant Classification Sherloc (09022015). Collection method: clinical testing. Allele origin: germline.
Comment: This sequence change replaces isoleucine, which is neutral and non-polar, with serine, which is neutral and polar, at codon 249 of the BARD1 protein (p.Ile249Ser). This variant is not present in population databases (gnomAD no frequency). This variant has not been reported in the literature in individuals affected with BARD1-related conditions. An algorithm developed to predict the effect of missense changes on protein structure and function (PolyPhen-2) suggests that this variant is likely to be tolerated. In summary, the available evidence is currently insufficient to determine the role of this variant in disease. Therefore, it has been classified as a Variant of Uncertain Significance.